The following is an entry in ClinVar:

ClinVar aggregate classification (germline): Likely benign (1 of 4 stars; one submission).

Submission:

CeGaT Center for Human Genetics Tuebingen
Classification: Likely benign. Last evaluated: 2023-01-01. Review status: criteria provided, single submitter. Criteria: CeGaT Center For Human Genetics Tuebingen Variant Classification Criteria Version 2. Collection method: clinical testing. Allele origin: germline. Affected: yes. Observed: 1 variant allele.
Comment: SOX1: BS2; SOX1-OT: BS2

NM_005986.3(SOX1):c.686CGCACC[2] (p.231PH[1])

Genes: SOX1 (SRY-box transcription factor 1; plus strand), SOX1-OT (SOX1 overlapping transcript; plus strand). Cytogenetic location: 13q34.
Variant type: Microsatellite.
Coding change: c.686CGCACC[2] on transcript NM_005986.3 (MANE Select); two copies in a row of the 6-base unit CGCACC starting at c.686; the reference has three copies in a row; one copy, 6 bases deleted.
Protein change: p.231PH[1].
Molecular consequence: inframe deletion.
Genome position (GRCh38, 1-based): chr13:112,068,356-112,068,361, CGCACC deleted; deleting any 6 consecutive bases within chr13:112,068,344-112,068,361 gives the same sequence; the position shown is the placement nearest the transcript's 3' end. VCF-style (leftmost placement, unchanged base first): chr13-112068343-GCGCACC-G. GRCh37 (hg19) VCF-style: chr13-112722657-GCGCACC-G.
Identifiers: ClinVar variation 2643961 (VCV002643961.24), dbSNP rs764819870, ClinGen allele CA7054746.